The following is an entry in ClinVar:

ClinVar aggregate classification (germline): Conflicting classifications of pathogenicity. Review status: criteria provided, conflicting classifications (1 of 4 stars). 2 submissions from 2 submitters: Pathogenic (1); Uncertain significance (1). Last evaluated 2026-02-26.

Conditions:
ALMS1-related disorder. Also called: ALMS1-related condition.
Alstrom syndrome (ALMS). Identifiers: Orphanet 64, MedGen C0268425, MONDO:0008763, OMIM 203800.

Submissions (2):

PreventionGenetics, part of Exact Sciences
Classification: Uncertain significance for ALMS1-related condition. Last evaluated: 2026-02-26. Review status: criteria provided, single submitter. Criteria: ACMG Guidelines, 2015. Collection method: clinical testing. Allele origin: germline.
Comment: The ALMS1 c.10991G>A variant is predicted to result in the amino acid substitution p.Gly3664Asp. To our knowledge, this variant has not been reported in the literature. This variant is reported in 0.0018% of alleles in individuals of European (Non-Finnish) descent in gnomAD. At this time, the clinical significance of this variant is uncertain due to the absence of conclusive functional and genetic evidence.

Labcorp Genetics (formerly Invitae), Labcorp
Classification: Pathogenic for Alstrom syndrome. Last evaluated: 2023-04-06. Review status: criteria provided, single submitter. Criteria: Invitae Variant Classification Sherloc (09022015). Collection method: clinical testing. Allele origin: germline.
Comment: This sequence change creates a premature translational stop signal (p.Trp3664*) in the ALMS1 gene. It is expected to result in an absent or disrupted protein product. Loss-of-function variants in ALMS1 are known to be pathogenic (PMID: 17594715). This variant is not present in population databases (gnomAD no frequency). This premature translational stop signal has been observed in individual(s) with Alstrom syndrome (PMID: 11941370). In at least one individual the data is consistent with being in trans (on the opposite chromosome) from a pathogenic variant. It has also been observed to segregate with disease in related individuals. ClinVar contains an entry for this variant (Variation ID: 950735). For these reasons, this variant has been classified as Pathogenic.

Literature cited by the submitters: PubMed 17594715 (cited by Labcorp Genetics (formerly Invitae), Labcorp); PubMed 11941370 (cited by Labcorp Genetics (formerly Invitae), Labcorp).

NM_001378454.1(ALMS1):c.10988G>A (p.Trp3663Ter)

Gene: ALMS1 (ALMS1 centrosome and basal body associated protein; plus strand). Cytogenetic location: 2p13.1.
Variant type: single nucleotide variant.
Coding change: c.10988G>A on transcript NM_001378454.1 (MANE Select); coding-DNA position 10988, G replaced by A.
Protein change: p.Trp3663Ter; replaces tryptophan 3663 with a stop codon.
Molecular consequence: nonsense.
Genome position (GRCh38, 1-based): chr2:73,572,865, G>A. VCF-style: chr2-73572865-G-A. GRCh37 (hg19) VCF-style: chr2-73799992-G-A.
Other names: c.10991G>A, p.Trp3664Ter (NM_015120.4); short protein forms W3663*, W3664*.
Identifiers: ClinVar variation 950735 (VCV000950735.10), dbSNP rs1674968936, ClinGen allele CA347286686.